The following is an entry in ClinVar:

NM_025138.5(PROSER1):c.2151G>T (p.Pro717=)

Gene: PROSER1 (proline and serine rich 1; minus strand). Cytogenetic location: 13q13.3.
Variant type: single nucleotide variant.
Coding change: c.2151G>T on transcript NM_025138.5 (MANE Select); coding-DNA position 2151, G replaced by T.
Protein change: p.Pro717=; no amino-acid change (proline 717 retained).
Molecular consequence: synonymous variant.
Genome position (GRCh38, 1-based): chr13:39,013,101, C>A on the plus strand (G>T on the coding strand, the complement: PROSER1 is on the minus strand). VCF-style: chr13-39013101-C-A. GRCh37 (hg19) VCF-style: chr13-39587238-C-A.
Other names: c.2085G>T, p.Pro695= (NM_170719.4).
Identifiers: ClinVar variation 4988734 (VCV004988734.1).

ClinVar aggregate classification (germline): Likely benign (1 of 4 stars; one submission).

Conditions:
PROSER1-related disorder. Also called: PROSER1-related condition.

Submission:

PreventionGenetics, part of Exact Sciences
Classification: Likely benign for PROSER1-related condition. Last evaluated: 2025-09-14. Review status: criteria provided, single submitter. Criteria: ACMG Guidelines, 2015. Collection method: clinical testing. Allele origin: germline.
Comment: This variant is classified as likely benign based on ACMG/AMP sequence variant interpretation guidelines (Richards et al. 2015 PMID: 25741868, with internal and published modifications).